The following is an entry in ClinVar:

ClinVar aggregate classification (germline): Uncertain significance (1 of 4 stars; one submission).

Conditions:
PCNT-related disorder. Also called: PCNT-related condition.

gnomAD v4.1: 24 of 1,573,646 alleles (0.0015%); highest among the groups gnomAD compares: Non-Finnish European, 0.002%; no homozygotes.

Submission:

PreventionGenetics, part of Exact Sciences
Classification: Uncertain significance for PCNT-related condition. Last evaluated: 2024-11-08. Review status: criteria provided, single submitter. Criteria: ACMG Guidelines, 2015. Collection method: clinical testing. Allele origin: germline.
Comment: The PCNT c.449A>G variant is predicted to result in the amino acid substitution p.Asp150Gly. To our knowledge, this variant has not been reported in the literature. This variant is reported in 0.0018% of alleles in individuals of European (Non-Finnish) descent in gnomAD. At this time, the clinical significance of this variant is uncertain due to the absence of conclusive functional and genetic evidence.

NM_006031.6(PCNT):c.449A>G (p.Asp150Gly)

Gene: PCNT (pericentrin; plus strand). Cytogenetic location: 21q22.3.
Variant type: single nucleotide variant.
Coding change: c.449A>G on transcript NM_006031.6 (MANE Select); coding-DNA position 449, A replaced by G.
Protein change: p.Asp150Gly; replaces aspartic acid 150 with glycine.
Molecular consequence: missense variant.
Genome position (GRCh38, 1-based): chr21:46,334,578, A>G. VCF-style: chr21-46334578-A-G. GRCh37 (hg19) VCF-style: chr21-47754492-A-G.
Other names: c.95A>G, p.Asp32Gly (NM_001315529.2); short protein forms D150G, D32G.
Identifiers: ClinVar variation 4985216 (VCV004985216.1).